The following is an entry in ClinVar:

NM_001382567.1(STIM1):c.1603A>G (p.Thr535Ala)

Gene: STIM1 (stromal interaction molecule 1; plus strand). Cytogenetic location: 11p15.4.
Variant type: single nucleotide variant.
Coding change: c.1603A>G on transcript NM_001382567.1 (MANE Select); coding-DNA position 1603, A replaced by G.
Protein change: p.Thr535Ala; replaces threonine 535 with alanine.
Molecular consequence: missense variant. On other transcripts: non-coding transcript variant (3).
Genome position (GRCh38, 1-based): chr11:4,086,512, A>G. VCF-style: chr11-4086512-A-G. GRCh37 (hg19) VCF-style: chr11-4107742-A-G.
Other names: c.1510A>G, p.Thr504Ala (NM_001277961.3, NM_001277962.2, NM_003156.4); c.1288A>G, p.Thr430Ala (NM_001382566.1, NM_001382575.1, NM_001382576.1 and 3 more transcripts); c.1531A>G, p.Thr511Ala (NM_001382568.1); c.1375A>G, p.Thr459Ala (NM_001382569.1); c.1282A>G, p.Thr428Ala (NM_001382570.1); c.1030A>G, p.Thr344Ala (NM_001382571.1); c.1021A>G, p.Thr341Ala (NM_001382580.1, NM_001382581.1); short protein forms T504A, T341A, T344A, T428A, T430A, T459A, T511A, T535A.
Identifiers: ClinVar variation 374632 (VCV000374632.51), dbSNP rs200528072, ClinGen allele CA5830517.
Genomic context (GRCh38, chr11:4,086,512, plus strand): 5'-GACACTTTCTTTATTCTCCTTGCAGCCCCTAGCCTGCAGAGCAGTGTTCGGCAGCGCCTG[A>G]CGGAGCCACAGCATGGCCTGGGATCTCAGAGGTTGGTAGAGGGCGAGGCTGGCCACTTCT-3'
Protein context (NP_001369496.1, residues 525-545): SLQSSVRQRL[Thr535Ala]EPQHGLGSQR

ClinVar aggregate classification (germline): Uncertain significance. Review status: criteria provided, multiple submitters, no conflicts (2 of 4 stars). 2 submissions from 2 submitters: Uncertain significance (2). Last evaluated 2026-01-20.

Conditions:
Myopathy with tubular aggregates (TAM). Also called: Tubular Aggregate Myopathy. Identifiers: Orphanet 2593, MedGen C0410207, MONDO:0008051.
Combined immunodeficiency due to STIM1 deficiency. Also called: STIM1 DEFICIENCY; IMMUNODEFICIENCY 10. Identifiers: Orphanet 169090, Orphanet 317430, MedGen C2748557, MONDO:0013008, OMIM 612783.
Stormorken syndrome (STRMK). Also called: THROMBOCYTOPATHY, ASPLENIA, AND MIOSIS. Identifiers: Orphanet 3204, MedGen C1861451, MONDO:0008497, OMIM 185070.

Allele frequency attached by ClinVar (database versions not stated): gnomAD 0.00002; gnomAD exomes 0.00002 and 0.00004; ExAC 0.00005; TOPMed 0.00005; ESP Exome Variant Server 0.00015.
gnomAD v4.1: 14 of 1,613,996 alleles (0.00087%); highest among the groups gnomAD compares: Middle Eastern, 0.016%; no homozygotes.

Submissions (2):

Labcorp Genetics (formerly Invitae), Labcorp
Classification: Uncertain significance for Myopathy with tubular aggregates; Combined immunodeficiency due to STIM1 deficiency; Stormorken syndrome. Last evaluated: 2026-01-20. Review status: criteria provided, single submitter. Criteria: Invitae Variant Classification Sherloc (09022015). Collection method: clinical testing. Allele origin: germline.
Comment: This sequence change replaces threonine, which is neutral and polar, with alanine, which is neutral and non-polar, at codon 504 of the STIM1 protein (p.Thr504Ala). This variant is present in population databases (rs200528072, gnomAD 0.005%). This variant has not been reported in the literature in individuals affected with STIM1-related conditions. ClinVar contains an entry for this variant (Variation ID: 374632). Invitae Evidence Modeling of protein sequence and biophysical properties (such as structural, functional, and spatial information, amino acid conservation, physicochemical variation, residue mobility, and thermodynamic stability) indicates that this missense variant is not expected to disrupt STIM1 protein function with a negative predictive value of 95%. In summary, the available evidence is currently insufficient to determine the role of this variant in disease. Therefore, it has been classified as a Variant of Uncertain Significance.

CeGaT Center for Human Genetics Tuebingen
Classification: Uncertain significance. Last evaluated: 2025-01-01. Review status: criteria provided, single submitter. Criteria: CeGaT Center For Human Genetics Tuebingen Variant Classification Criteria Version 2. Collection method: clinical testing. Allele origin: germline. Affected: yes. Observed: 2 variant alleles.
Comment: STIM1: PM2, BP4